The following is an entry in ClinVar:

ClinVar aggregate classification (germline): Uncertain significance (1 of 4 stars; one submission).

Allele frequency attached by ClinVar (database versions not stated): gnomAD 0.00001; gnomAD exomes 0.00001; TOPMed 0.00001; ESP Exome Variant Server 0.00008.
gnomAD v4.1: 17 of 1,612,870 alleles (0.0011%); highest among the groups gnomAD compares: East Asian, 0.0022%; no homozygotes.

Submission:

Labcorp Genetics (formerly Invitae), Labcorp
Classification: Uncertain significance. Last evaluated: 2023-08-30. Review status: criteria provided, single submitter. Criteria: Invitae Variant Classification Sherloc (09022015). Collection method: clinical testing. Allele origin: germline.
Comment: This sequence change replaces glycine, which is neutral and non-polar, with arginine, which is basic and polar, at codon 301 of the DNAJC17 protein (p.Gly301Arg). This variant is present in population databases (rs144276286, gnomAD 0.01%). This variant has not been reported in the literature in individuals affected with DNAJC17-related conditions. ClinVar contains an entry for this variant (Variation ID: 1356529). An algorithm developed to predict the effect of missense changes on protein structure and function (PolyPhen-2) suggests that this variant is likely to be tolerated. In summary, the available evidence is currently insufficient to determine the role of this variant in disease. Therefore, it has been classified as a Variant of Uncertain Significance.

NM_018163.3(DNAJC17):c.901G>A (p.Gly301Arg)

Gene: DNAJC17 (DnaJ heat shock protein family (Hsp40) member C17; minus strand). Cytogenetic location: 15q15.1.
Variant type: single nucleotide variant.
Coding change: c.901G>A on transcript NM_018163.3 (MANE Select); coding-DNA position 901, G replaced by A.
Protein change: p.Gly301Arg; replaces glycine 301 with arginine.
Molecular consequence: missense variant.
Genome position (GRCh38, 1-based): chr15:40,767,954, C>T on the plus strand (G>A on the coding strand, the complement: DNAJC17 is on the minus strand). VCF-style: chr15-40767954-C-T. GRCh37 (hg19) VCF-style: chr15-41060152-C-T.
Other names: short protein forms G301R.
Identifiers: ClinVar variation 1356529 (VCV001356529.6), dbSNP rs144276286, ClinGen allele CA268850037.